The following is an entry in ClinVar:

ClinVar aggregate classification (germline): Uncertain significance (1 of 4 stars; one submission).

Conditions:
RASopathy. Also called: Noonan spectrum disorder; rasopathies. Identifiers: Orphanet 536391, MedGen C5555857, MONDO:0021060.

Submission:

Labcorp Genetics (formerly Invitae), Labcorp
Classification: Uncertain significance for RASopathy. Last evaluated: 2024-03-06. Review status: criteria provided, single submitter. Criteria: Invitae Variant Classification Sherloc (09022015). Collection method: clinical testing. Allele origin: germline.
Comment: This sequence change replaces lysine, which is basic and polar, with threonine, which is neutral and polar, at codon 365 of the RAF1 protein (p.Lys365Thr). This variant is not present in population databases (gnomAD no frequency). This variant has not been reported in the literature in individuals affected with RAF1-related conditions. Advanced modeling of protein sequence and biophysical properties (such as structural, functional, and spatial information, amino acid conservation, physicochemical variation, residue mobility, and thermodynamic stability) performed at Invitae indicates that this missense variant is expected to disrupt RAF1 protein function with a positive predictive value of 95%. In summary, the available evidence is currently insufficient to determine the role of this variant in disease. Therefore, it has been classified as a Variant of Uncertain Significance.

NM_002880.4(RAF1):c.1094A>C (p.Lys365Thr)

Gene: RAF1 (Raf-1 proto-oncogene, serine/threonine kinase; minus strand). Cytogenetic location: 3p25.2.
Variant type: single nucleotide variant.
Coding change: c.1094A>C on transcript NM_002880.4 (MANE Select); coding-DNA position 1094, A replaced by C.
Protein change: p.Lys365Thr; replaces lysine 365 with threonine.
Molecular consequence: missense variant. On other transcripts: non-coding transcript variant (3).
Genome position (GRCh38, 1-based): chr3:12,599,705, T>G on the plus strand (A>C on the coding strand, the complement: RAF1 is on the minus strand). VCF-style: chr3-12599705-T-G. GRCh37 (hg19) VCF-style: chr3-12641204-T-G.
Other names: c.1154A>C, p.Lys385Thr (NM_001354689.3); c.1094A>C, p.Lys365Thr (NM_001354690.3); c.851A>C, p.Lys284Thr (NM_001354691.3, NM_001354692.3); c.995A>C, p.Lys332Thr (NM_001354693.3); c.911A>C, p.Lys304Thr (NM_001354694.3); c.752A>C, p.Lys251Thr (NM_001354695.3); short protein forms K332T, K304T, K251T, K284T, K365T, K385T.
Identifiers: ClinVar variation 3676292 (VCV003676292.2).